The following is an entry in ClinVar:

NM_001323289.2(CDKL5):c.794T>C (p.Ile265Thr)

Gene: CDKL5 (cyclin dependent kinase like 5; plus strand). Cytogenetic location: Xp22.13.
Variant type: single nucleotide variant.
Coding change: c.794T>C on transcript NM_001323289.2 (MANE Select); coding-DNA position 794, T replaced by C.
Protein change: p.Ile265Thr; replaces isoleucine 265 with threonine.
Molecular consequence: missense variant.
Genome position (GRCh38, 1-based): chrX:18,595,397, T>C. VCF-style: chrX-18595397-T-C. GRCh37 (hg19) VCF-style: chrX-18613517-T-C.
Other names: c.794T>C, p.Ile265Thr (NM_001037343.2, NM_003159.3); short protein forms I265T.
Identifiers: ClinVar variation 1018419 (VCV001018419.9), dbSNP rs1925958833, ClinGen allele CA412355030.

ClinVar aggregate classification (germline): Uncertain significance (1 of 4 stars; one submission).

Conditions:
Angelman syndrome-like. Identifiers: MedGen CN128785.
Developmental and epileptic encephalopathy, 2 (DEE2). Also called: INFANTILE SPASM SYNDROME, X-LINKED 2; CDKL5 deficiency disorder. Identifiers: Orphanet 1934, Orphanet 3451, Orphanet 505652, MedGen C4750718, MONDO:0010396, OMIM 300672.

Submission:

Labcorp Genetics (formerly Invitae), Labcorp
Classification: Uncertain significance for Developmental and epileptic encephalopathy, 2; Angelman syndrome-like. Last evaluated: 2020-06-22. Review status: criteria provided, single submitter. Criteria: Invitae Variant Classification Sherloc (09022015). Collection method: clinical testing. Allele origin: germline.
Comment: In summary, the available evidence is currently insufficient to determine the role of this variant in disease. Therefore, it has been classified as a Variant of Uncertain Significance. Algorithms developed to predict the effect of missense changes on protein structure and function are either unavailable or do not agree on the potential impact of this missense change (SIFT: "Deleterious"; PolyPhen-2: "Benign"; Align-GVGD: "Class C25"). This variant has not been reported in the literature in individuals with CDKL5-related conditions. This variant is not present in population databases (ExAC no frequency). This sequence change replaces isoleucine with threonine at codon 265 of the CDKL5 protein (p.Ile265Thr). The isoleucine residue is highly conserved and there is a moderate physicochemical difference between isoleucine and threonine.